The following is an entry in ClinVar:

ClinVar aggregate classification (germline): Uncertain significance (1 of 4 stars; one submission).

Conditions:
Alagille syndrome due to a JAG1 point mutation. Also called: JAG1-Related Alagille Syndrome; Alagille Syndrome 1; HEPATIC DUCTULAR HYPOPLASIA, SYNDROMATIC. Identifiers: Orphanet 261619, Orphanet 52, MedGen C1956125, MONDO:0016862, OMIM 118450.

Submissions (2):

Labcorp Genetics (formerly Invitae), Labcorp
Classification: Uncertain significance for Alagille syndrome due to a JAG1 point mutation. Last evaluated: 2023-08-09. Review status: criteria provided, single submitter. Criteria: Invitae Variant Classification Sherloc (09022015). Collection method: clinical testing. Allele origin: germline.
Comment: In summary, the available evidence is currently insufficient to determine the role of this variant in disease. Therefore, it has been classified as a Variant of Uncertain Significance. This variant has not been reported in the literature in individuals affected with JAG1-related conditions. This variant is not present in population databases (gnomAD no frequency). This sequence change replaces glycine, which is neutral and non-polar, with arginine, which is basic and polar, at codon 47 of the JAG1 protein (p.Gly47Arg). Advanced modeling of protein sequence and biophysical properties (such as structural, functional, and spatial information, amino acid conservation, physicochemical variation, residue mobility, and thermodynamic stability) performed at Invitae indicates that this missense variant is expected to disrupt JAG1 protein function.

Gilbert/Spinner Lab, Children's Hospital of Philadelphia
No classification provided (evidence only). Condition: Alagille syndrome. Review status: no classification provided. Collection method: research. Allele origin: not applicable. Functional consequence: functionally_abnormal. Not counted in ClinVar's aggregate classification.
ClinVar note: "not provided" was previously submitted as the classification for the variant. However, the classification appeared to be based only on an observation of functional data so it was converted to no classification on 2025-07-30.

NM_000214.3(JAG1):c.139G>C (p.Gly47Arg)

Gene: JAG1 (jagged canonical Notch ligand 1; minus strand). Cytogenetic location: 20p12.2.
Variant type: single nucleotide variant.
Coding change: c.139G>C on transcript NM_000214.3 (MANE Select); coding-DNA position 139, G replaced by C.
Protein change: p.Gly47Arg; replaces glycine 47 with arginine.
Molecular consequence: missense variant.
Genome position (GRCh38, 1-based): chr20:10,672,949, C>G on the plus strand (G>C on the coding strand, the complement: JAG1 is on the minus strand). VCF-style: chr20-10672949-C-G. GRCh37 (hg19) VCF-style: chr20-10653597-C-G.
Other names: short protein forms G47R.
Identifiers: ClinVar variation 2967783 (VCV002967783.5), dbSNP rs2122644822, ClinGen allele CA408243678.